The following is an entry in ClinVar:

ClinVar aggregate classification (germline): Uncertain significance. Review status: criteria provided, multiple submitters, no conflicts (2 of 4 stars). 3 submissions from 3 submitters: Uncertain significance (2). 1 of the submissions does not count toward it. Last evaluated 2025-07-30.

Conditions:
Hereditary cancer-predisposing syndrome. Also called: Tumor predisposition; Hereditary neoplastic syndrome; Neoplastic Syndromes, Hereditary; Hereditary Cancer Syndrome. Identifiers: Orphanet 140162, MedGen C0027672, MeSH D009386, MONDO:0015356.
Birt-Hogg-Dube syndrome. Also called: Birt Hogg Dubé syndrome. Identifiers: Orphanet 122, MedGen C0346010, MONDO:0800444.

Allele frequency attached by ClinVar (database versions not stated): gnomAD exomes below 0.00001; TOPMed below 0.00001; ExAC 0.00001.
gnomAD v4.1: 1 of 1,614,132 alleles (0.000062%); highest among the groups gnomAD compares: South Asian, 0.0011%; no homozygotes.

Submissions (3):

Labcorp Genetics (formerly Invitae), Labcorp
Classification: Uncertain significance for Birt-Hogg-Dube syndrome. Last evaluated: 2025-07-30. Review status: criteria provided, single submitter. Criteria: Invitae Variant Classification Sherloc (09022015). Collection method: clinical testing. Allele origin: germline.
Comment: This sequence change replaces serine, which is neutral and polar, with glycine, which is neutral and non-polar, at codon 68 of the FLCN protein (p.Ser68Gly). This variant is present in population databases (rs587778365, gnomAD 0.003%). This variant has not been reported in the literature in individuals affected with FLCN-related conditions. ClinVar contains an entry for this variant (Variation ID: 134422). Invitae Evidence Modeling of protein sequence and biophysical properties (such as structural, functional, and spatial information, amino acid conservation, physicochemical variation, residue mobility, and thermodynamic stability) indicates that this missense variant is not expected to disrupt FLCN protein function with a negative predictive value of 80%. In summary, the available evidence is currently insufficient to determine the role of this variant in disease. Therefore, it has been classified as a Variant of Uncertain Significance.

Ambry Genetics
Classification: Uncertain significance for Hereditary cancer-predisposing syndrome. Last evaluated: 2023-11-21. Review status: criteria provided, single submitter. Criteria: Ambry Variant Classification Scheme 2023. Collection method: clinical testing. Allele origin: germline.
Comment: The p.S68G variant (also known as c.202A>G), located in coding exon 1 of the FLCN gene, results from an A to G substitution at nucleotide position 202. The serine at codon 68 is replaced by glycine, an amino acid with similar properties. This amino acid position is well conserved in available vertebrate species. In addition, the in silico prediction for this alteration is inconclusive. Since supporting evidence is limited at this time, the clinical significance of this alteration remains unclear.

ITMI
No classification provided. Condition: AllHighlyPenetrant. Last evaluated: 2013-09-19. Review status: no classification provided. Collection method: reference population. Allele origin: germline. Not counted in ClinVar's aggregate classification.
Comment: Please see associated publication for description of ethnicities

Literature cited by the submitters: PubMed 24728327 (cited by ITMI).

NM_144997.7(FLCN):c.202A>G (p.Ser68Gly)

Gene: FLCN (folliculin; minus strand). Cytogenetic location: 17p11.2.
Variant type: single nucleotide variant.
Coding change: c.202A>G on transcript NM_144997.7 (MANE Select); coding-DNA position 202, A replaced by G.
Protein change: p.Ser68Gly; replaces serine 68 with glycine.
Molecular consequence: missense variant.
Genome position (GRCh38, 1-based): chr17:17,227,936, T>C on the plus strand (A>G on the coding strand, the complement: FLCN is on the minus strand). VCF-style: chr17-17227936-T-C. GRCh37 (hg19) VCF-style: chr17-17131250-T-C.
Other names: c.202A>G (LRG_325t1); c.202A>G, p.Ser68Gly (NM_001353231.2, NM_144606.7, NM_001353229.2 and 1 more transcripts); short protein forms S68G.
Identifiers: ClinVar variation 134422 (VCV000134422.8), dbSNP rs587778365, ClinGen allele CA159758.